The following is an entry in ClinVar:

NM_018897.3(DNAH7):c.7164G>A (p.Ala2388=)

Gene: DNAH7 (dynein axonemal heavy chain 7; minus strand). Cytogenetic location: 2q32.3.
Variant type: single nucleotide variant.
Coding change: c.7164G>A on transcript NM_018897.3 (MANE Select); coding-DNA position 7164, G replaced by A.
Protein change: p.Ala2388=; no amino-acid change (alanine 2388 retained).
Molecular consequence: synonymous variant.
Genome position (GRCh38, 1-based): chr2:195,864,491, C>T on the plus strand (G>A on the coding strand, the complement: DNAH7 is on the minus strand). VCF-style: chr2-195864491-C-T. GRCh37 (hg19) VCF-style: chr2-196729215-C-T.
Identifiers: ClinVar variation 3038881 (VCV003038881.2), dbSNP rs200945065, ClinGen allele CA2034938.

ClinVar aggregate classification (germline): Likely benign (0 of 4 stars; one submission).

Conditions:
DNAH7-related disorder. Also called: DNAH7-related condition.

Allele frequency attached by ClinVar (database versions not stated): gnomAD exomes 0.00004; ExAC 0.00011; TOPMed 0.00011; gnomAD 0.00012; ESP Exome Variant Server 0.00025.
gnomAD v4.1: 69 of 1,614,162 alleles (0.0043%); highest among the groups gnomAD compares: East Asian, 0.036%; no homozygotes.

Submission:

PreventionGenetics, part of Exact Sciences
Classification: Likely benign for DNAH7-related condition. Last evaluated: 2019-05-24. Review status: no assertion criteria provided. Collection method: clinical testing. Allele origin: germline.
Comment: This variant is classified as likely benign based on ACMG/AMP sequence variant interpretation guidelines (Richards et al. 2015 PMID: 25741868, with internal and published modifications).